The following is an entry in ClinVar:

NM_000255.4(MMUT):c.1677-1G>A

Gene: MMUT (methylmalonyl-CoA mutase; minus strand). Cytogenetic location: 6p12.3.
Variant type: single nucleotide variant.
Coding change: c.1677-1G>A on transcript NM_000255.4 (MANE Select); the canonical splice acceptor site of the intron before coding-DNA position 1677, G replaced by A.
Molecular consequence: splice acceptor variant.
Genome position (GRCh38, 1-based): chr6:49,441,972, C>T on the plus strand (G>A on the coding strand, the complement: MMUT is on the minus strand). VCF-style: chr6-49441972-C-T. GRCh37 (hg19) VCF-style: chr6-49409685-C-T.
Identifiers: ClinVar variation 550012 (VCV000550012.13), dbSNP rs754369323, ClinGen allele CA3846767.

ClinVar aggregate classification (germline): Pathogenic. Review status: criteria provided, multiple submitters, no conflicts (2 of 4 stars). 6 submissions from 6 submitters: Pathogenic (4). 2 of the submissions do not count toward it. Last evaluated 2026-01-20.

Conditions:
Methylmalonic aciduria due to complete methylmalonyl-CoA mutase deficiency.
Methylmalonic acidemia (MMA). Also called: Isolated Methylmalonic Acidemia. Identifiers: MedGen C0268583, MeSH C537358, MONDO:0002012, HP:0002912.
Methylmalonic aciduria due to methylmalonyl-CoA mutase deficiency (MAMM). Also called: Methylmalonic aciduria, mut type. Identifiers: Orphanet 27, MedGen C1855114, MONDO:0009612, OMIM 251000.

Allele frequency attached by ClinVar (database versions not stated): ExAC 0.00001; gnomAD 0.00001; gnomAD exomes 0.00003.
gnomAD v4.1: 9 of 1,608,818 alleles (0.00056%); highest among the groups gnomAD compares: East Asian, 0.016%; no homozygotes.

Submissions (6):

Natera, Inc.
Classification: Pathogenic for Methylmalonic aciduria due to complete methylmalonyl-CoA mutase deficiency. Last evaluated: 2026-01-20. Review status: criteria provided, single submitter. Criteria: Natera Variant Classification Schema (03/2026). Collection method: clinical testing. Allele origin: germline.
Comment: The c.1677-1G>A variant in MMUT is a canonical splice acceptor site variant predicted to affect pre-mRNA splicing, which may result in an abnormal transcript and altered protein product. This variant is expected to result in nonsense mediated decay, truncation, or a dysfunctional protein product. This variant is rare in the general population with a frequency below the threshold expected for the associated phenotype(s). This variant has been observed in one or more individuals affected with the associated recessive disease, as either homozygous or compound heterozygous with a second variant (PMID: 23430940). Given the available evidence, this variant is classified as Pathogenic.

Labcorp Genetics (formerly Invitae), Labcorp
Classification: Pathogenic. Last evaluated: 2025-12-21. Review status: criteria provided, single submitter. Criteria: Invitae Variant Classification Sherloc (09022015). Collection method: clinical testing. Allele origin: germline.
Comment: This sequence change affects an acceptor splice site in intron 9 of the MUT gene. It is expected to disrupt RNA splicing. Variants that disrupt the donor or acceptor splice site typically lead to a loss of protein function (PMID: 16199547), and loss-of-function variants in MUT are known to be pathogenic (PMID: 15781192). This variant is present in population databases (rs754369323, gnomAD 0.04%). Disruption of this splice site has been observed in individuals with methylmalonic acidemia (PMID: 16281286, 17113806, 23430940, 26454439). ClinVar contains an entry for this variant (Variation ID: 550012). Algorithms developed to predict the effect of sequence changes on RNA splicing suggest that this variant may disrupt the consensus splice site. For these reasons, this variant has been classified as Pathogenic.

Women's Health and Genetics/Laboratory Corporation of America, LabCorp
Classification: Pathogenic for Methylmalonic acidemia. Last evaluated: 2019-12-15. Review status: criteria provided, single submitter. Criteria: LabCorp Variant Classification Summary - May 2015. Collection method: clinical testing. Allele origin: germline.
Comment: Variant summary: MUT c.1677-1G>A is located in a canonical splice-site and is predicted to affect mRNA splicing resulting in a significantly altered protein due to either exon skipping, shortening, or inclusion of intronic material. Several computational tools predict a significant impact on normal splicing: Four predict the variant abolishes the canonical 3' acceptor site. Two predict the variant strengthens an alternate cryptic intronic 3' acceptor site. However, these predictions have yet to be confirmed by functional studies. The variant allele was found at a frequency of 2.8e-05 in 251050 control chromosomes. c.1677-1G>A has been reported in the literature in individuals affected with Methylmalonic Acidemia (example, Worgan_2006, Lempp_2007, Liu_2012). These data indicate that the variant is likely to be associated with disease. To our knowledge, no experimental evidence demonstrating an impact on protein function has been reported. Three clinical diagnostic laboratories have submitted clinical-significance assessments for this variant to ClinVar after 2014 without evidence for independent evaluation. All laboratories classified the variant as pathogenic. Based on the evidence outlined above, the variant was classified as pathogenic.

Juno Genomics, Hangzhou Juno Genomics, Inc
Classification: Pathogenic for Methylmalonic aciduria due to methylmalonyl-CoA mutase deficiency. Review status: criteria provided, single submitter. Criteria: ACMG Guidelines, 2015. Collection method: clinical testing. Allele origin: germline.
Comment: Absent from controls (or at extremely low frequency if recessive) in Genome Aggregation Database.;Null variant in a gene where loss of function (LOF) is a known mechanism of disease.;For recessive disorders, detected in trans with a pathogenic variant.;Patient's phenotype or family history is highly specific for a disease with a single genetic etiology.

SingHealth Duke-NUS Institute of Precision Medicine
Classification: Pathogenic for Methylmalonic aciduria due to methylmalonyl-CoA mutase deficiency. Last evaluated: 2017-06-07. Review status: no assertion criteria provided. Collection method: curation. Allele origin: germline. Affected: no. Not counted in ClinVar's aggregate classification.

Counsyl
Classification: Pathogenic for Methylmalonic aciduria due to methylmalonyl-CoA mutase deficiency. Last evaluated: 2017-04-21. Review status: no assertion criteria provided. Collection method: clinical testing. Allele origin: unknown. Not counted in ClinVar's aggregate classification.

Literature cited by the submitters: PubMed 23430940 (cited by 4 submitters); PubMed 16199547 (cited by Labcorp Genetics (formerly Invitae), Labcorp); PubMed 15781192 (cited by Labcorp Genetics (formerly Invitae), Labcorp); PubMed 16281286 (cited by Labcorp Genetics (formerly Invitae), Labcorp and Women's Health and Genetics/Laboratory Corporation of America, LabCorp); PubMed 17113806 (cited by Labcorp Genetics (formerly Invitae), Labcorp and Women's Health and Genetics/Laboratory Corporation of America, LabCorp); PubMed 26454439 (cited by Labcorp Genetics (formerly Invitae), Labcorp).